The following is an entry in ClinVar:

ClinVar aggregate classification (germline): Conflicting classifications of pathogenicity. Review status: criteria provided, conflicting classifications (1 of 4 stars). 4 submissions from 3 submitters: Uncertain significance (1); Benign (1); Likely benign (2). Last evaluated 2025-12-09.

Conditions:
Emery-Dreifuss muscular dystrophy 4, autosomal dominant (EDMD4). Also called: EMERY-DREIFUSS MUSCULAR DYSTROPHY 4 WITH VARIABLE FEATURES. Identifiers: Orphanet 261, MedGen C2751807, MONDO:0013071, OMIM 612998.
Autosomal recessive ataxia, Beauce type. Also called: SYNE1-Related Autosomal Recessive Cerebellar Ataxia; Spinocerebellar ataxia, autosomal recessive 8; ATAXIA, RECESSIVE, OF BEAUCE; SYNE1 Deficiency. Identifiers: Orphanet 88644, MedGen C1853116, MONDO:0012549, OMIM 610743.

Allele frequency attached by ClinVar (database versions not stated): TOPMed 0.00011; gnomAD 0.00014 and 0.00015; gnomAD exomes 0.00017 and 0.00020; ExAC 0.00018.
gnomAD v4.1: 285 of 1,612,426 alleles (0.018%); highest among the groups gnomAD compares: South Asian, 0.058%; no homozygotes.

Submissions (4):

Labcorp Genetics (formerly Invitae), Labcorp
Classification: Likely benign for Emery-Dreifuss muscular dystrophy 4, autosomal dominant; Autosomal recessive ataxia, Beauce type. Last evaluated: 2025-12-09. Review status: criteria provided, single submitter. Criteria: Invitae Variant Classification Sherloc (09022015). Collection method: clinical testing. Allele origin: germline.

Blueprint Genetics
Classification: Likely benign. Last evaluated: 2024-08-22. Review status: criteria provided, single submitter. Criteria: ACMG Guidelines, 2015. Collection method: clinical testing. Allele origin: germline.

Illumina Laboratory Services, Illumina
Classification: Benign for Emery-Dreifuss muscular dystrophy 4, autosomal dominant. Last evaluated: 2018-01-12. Review status: criteria provided, single submitter. Criteria: ICSL Variant Classification Criteria 13 December 2019. Collection method: clinical testing. Allele origin: germline.
Comment: This variant was observed in the ICSL laboratory as part of a predisposition screen in an ostensibly healthy population. It had not been previously curated by ICSL or reported in the Human Gene Mutation Database (HGMD: prior to June 1st, 2018), and was therefore a candidate for classification through an automated scoring system. Utilizing variant allele frequency, disease prevalence and penetrance estimates, and inheritance mode, an automated score was calculated to assess if this variant is too frequent to cause the disease. Based on the score and internal cut-off values, a variant classified as benign is not then subjected to further curation. The score for this variant resulted in a classification of benign for this disease.

Illumina Laboratory Services, Illumina
Classification: Uncertain significance for Autosomal recessive ataxia, Beauce type. Last evaluated: 2018-01-12. Review status: criteria provided, single submitter. Criteria: ICSL Variant Classification Criteria 13 December 2019. Collection method: clinical testing. Allele origin: germline.

NM_182961.4(SYNE1):c.7029+15A>G

Gene: SYNE1 (spectrin repeat containing nuclear envelope protein 1; minus strand). Cytogenetic location: 6q25.2.
Variant type: single nucleotide variant.
Coding change: c.7029+15A>G on transcript NM_182961.4 (MANE Select); 15 bases into the intron after coding-DNA position 7029, A replaced by G.
Molecular consequence: intron variant.
Genome position (GRCh38, 1-based): chr6:152,401,123, T>C on the plus strand (A>G on the coding strand, the complement: SYNE1 is on the minus strand). VCF-style: chr6-152401123-T-C. GRCh37 (hg19) VCF-style: chr6-152722258-T-C.
Other names: c.7050+15A>G (NM_033071.5).
Identifiers: ClinVar variation 355915 (VCV000355915.10), dbSNP rs757201043, ClinGen allele CA4057943.